The following is an entry in ClinVar:

NM_000143.4(FH):c.378+4G>A

Gene: FH (fumarate hydratase; minus strand). Cytogenetic location: 1q43.
Variant type: single nucleotide variant.
Coding change: c.378+4G>A on transcript NM_000143.4 (MANE Select); 4 bases into the intron after coding-DNA position 378, G replaced by A.
Molecular consequence: intron variant.
Genome position (GRCh38, 1-based): chr1:241,513,599, C>T on the plus strand (G>A on the coding strand, the complement: FH is on the minus strand). VCF-style: chr1-241513599-C-T. GRCh37 (hg19) VCF-style: chr1-241676899-C-T.
Identifiers: ClinVar variation 1375025 (VCV001375025.7), dbSNP rs2147922924, ClinGen allele CA2573132943.

ClinVar aggregate classification (germline): Conflicting classifications of pathogenicity. Review status: criteria provided, conflicting classifications (1 of 4 stars). 2 submissions from 2 submitters: Uncertain significance (1); Likely benign (1). Last evaluated 2024-10-17.

Conditions:
Hereditary leiomyomatosis and renal cell cancer. Also called: Familial leiomyomatosis; MULTIPLE CUTANEOUS AND UTERINE LEIOMYOMATA 1, WITH OR WITHOUT RENAL CELL CARCINOMA; LEIOMYOMA, MULTIPLE CUTANEOUS; FH tumor predisposition syndrome; Multiple cutaneous leiomyomas; Reed syndrome. Identifiers: Orphanet 523, MedGen C1708350, MONDO:0007888, OMIM 150800, HP:0007437. Disease mechanism: loss of function.

Submissions (2):

Myriad Genetics, Inc.
Classification: Likely benign for Hereditary leiomyomatosis and renal cell cancer. Last evaluated: 2024-10-17. Review status: criteria provided, single submitter. Criteria: Myriad Autosomal Dominant, Autosomal Recessive and X-Linked Classification Criteria (2023). Collection method: clinical testing. Allele origin: unknown.
Comment: This variant is considered likely benign. This variant is intronic and is not expected to impact mRNA splicing.

Labcorp Genetics (formerly Invitae), Labcorp
Classification: Uncertain significance. Last evaluated: 2024-09-02. Review status: criteria provided, single submitter. Criteria: Invitae Variant Classification Sherloc (09022015). Collection method: clinical testing. Allele origin: germline.
Comment: This sequence change falls in intron 3 of the FH gene. It does not directly change the encoded amino acid sequence of the FH protein. It affects a nucleotide within the consensus splice site. This variant is not present in population databases (gnomAD no frequency). This variant has not been reported in the literature in individuals affected with FH-related conditions. ClinVar contains an entry for this variant (Variation ID: 1375025). Variants that disrupt the consensus splice site are a relatively common cause of aberrant splicing (PMID: 17576681, 9536098). Algorithms developed to predict the effect of sequence changes on RNA splicing suggest that this variant is not likely to affect RNA splicing. In summary, the available evidence is currently insufficient to determine the role of this variant in disease. Therefore, it has been classified as a Variant of Uncertain Significance.

Literature cited by the submitters: PubMed 17576681 (cited by Labcorp Genetics (formerly Invitae), Labcorp); PubMed 9536098 (cited by Labcorp Genetics (formerly Invitae), Labcorp).